The following is an entry in ClinVar:

ClinVar aggregate classification (germline): Uncertain significance (1 of 4 stars; one submission).

Conditions:
Inborn genetic diseases. Identifiers: MedGen C0950123, MeSH D030342.

Submission:

Ambry Genetics
Classification: Uncertain significance for Inborn genetic diseases. Last evaluated: 2022-05-11. Review status: criteria provided, single submitter. Criteria: Ambry Variant Classification Scheme 2023. Collection method: clinical testing. Allele origin: germline.
Comment: The p.M4260T variant (also known as c.12779T>C), located in coding exon 69 of the DST gene, results from a T to C substitution at nucleotide position 12779. The methionine at codon 4260 is replaced by threonine, an amino acid with similar properties. This amino acid position is not well conserved in available vertebrate species, and threonine is the reference amino acid in other vertebrate species. In addition, this alteration is predicted to be tolerated by in silico analysis. Since supporting evidence is limited at this time, the clinical significance of this alteration remains unclear.

NM_001374736.1(DST):c.19136T>C (p.Met6379Thr)

Gene: DST (dystonin; minus strand). Cytogenetic location: 6p12.1.
Variant type: single nucleotide variant.
Coding change: c.19136T>C on transcript NM_001374736.1 (MANE Select); coding-DNA position 19136, T replaced by C.
Protein change: p.Met6379Thr; replaces methionine 6379 with threonine.
Molecular consequence: missense variant.
Genome position (GRCh38, 1-based): chr6:56,508,632, A>G on the plus strand (T>C on the coding strand, the complement: DST is on the minus strand). VCF-style: chr6-56508632-A-G. GRCh37 (hg19) VCF-style: chr6-56373430-A-G.
Other names: c.12779T>C, p.Met4260Thr (NM_001144769.5); c.12365T>C, p.Met4122Thr (NM_001144770.2); c.19136T>C, p.Met6379Thr (NM_001374722.1); c.18176T>C, p.Met6059Thr (NM_001374729.1); c.11918T>C, p.Met3973Thr (NM_001374730.1); c.19163T>C, p.Met6388Thr (NM_001374734.1); c.12245T>C, p.Met4082Thr (NM_001386100.1, NM_183380.4); c.11267T>C, p.Met3756Thr (NM_015548.5); short protein forms M4082T, M6059T, M4122T, M4260T, M3756T, M6379T, M3973T, M6388T.
Identifiers: ClinVar variation 1766784 (VCV001766784.2), dbSNP rs2534315265, ClinGen allele CA364523544.